The following is an entry in ClinVar:

ClinVar aggregate classification (germline): Uncertain significance (1 of 4 stars; one submission).

Allele frequency attached by ClinVar (database versions not stated): ExAC 0.00001; gnomAD 0.00001; gnomAD exomes 0.00001; TOPMed 0.00001; ESP Exome Variant Server 0.00008.

Submission:

GeneDx
Classification: Uncertain significance. Last evaluated: 2022-02-01. Review status: criteria provided, single submitter. Criteria: GeneDx Variant Classification Process June 2021. Collection method: clinical testing. Allele origin: germline. Affected: yes.
Comment: Not observed at significant frequency in large population cohorts (gnomAD); In silico analysis supports that this missense variant does not alter protein structure/function; Has not been previously published as pathogenic or benign to our knowledge

NM_001010892.3(RSPH4A):c.444C>A (p.Asn148Lys)

Gene: RSPH4A (radial spoke head component 4A; plus strand). Cytogenetic location: 6q22.1.
Variant type: single nucleotide variant.
Coding change: c.444C>A on transcript NM_001010892.3 (MANE Select); coding-DNA position 444, C replaced by A.
Protein change: p.Asn148Lys; replaces asparagine 148 with lysine.
Molecular consequence: missense variant.
Genome position (GRCh38, 1-based): chr6:116,617,067, C>A. VCF-style: chr6-116617067-C-A. GRCh37 (hg19) VCF-style: chr6-116938230-C-A.
Other names: c.444C>A, p.Asn148Lys (NM_001161664.2); short protein forms N148K.
Identifiers: ClinVar variation 1699853 (VCV001699853.2), dbSNP rs372902497, ClinGen allele CA3970766.
Genomic context (GRCh38, chr6:116,617,067, plus strand): 5'-GGAACAATCATCTGATAAAAGAGAATCAACTCCTCATCACACAAGCCAGTCAGAAGGAAA[C>A]ACCTTTCAACAGTCTCAGCAACCCAAACCCCACCTGTGTGGACGAAGGGACGTGAGCTAT-3'
Protein context (NP_001010892.1, residues 138-158): TPHHTSQSEG[Asn148Lys]TFQQSQQPKP